The following is an entry in ClinVar:

NC_000001.10:g.(?_100671776)_(100672202_?)del

Gene: DBT (dihydrolipoamide branched chain transacylase E2; minus strand). Cytogenetic location: 1p21.2.
Variant type: Deletion.
Identifiers: ClinVar variation 1506556 (VCV001506556.6).

ClinVar aggregate classification (germline): Likely pathogenic (1 of 4 stars; one submission).

Conditions:
Maple syrup urine disease (MSUD). Identifiers: Orphanet 511, MedGen C0024776, MeSH D008375, MONDO:0009563. Disease mechanism: loss of function.

Submission:

Labcorp Genetics (formerly Invitae), Labcorp
Classification: Likely pathogenic for Maple syrup urine disease. Last evaluated: 2021-01-07. Review status: criteria provided, single submitter. Criteria: Invitae Variant Classification Sherloc (09022015). Collection method: clinical testing. Allele origin: germline.
Comment: In summary, the currently available evidence indicates that the variant is pathogenic, but additional data are needed to prove that conclusively. Therefore, this variant has been classified as Likely Pathogenic. This variant disrupts the p.Ile401 amino acid residue in DBT. Other variant(s) that disrupt this residue have been determined to be pathogenic (PMID: 19480318). This suggests that this residue is clinically significant, and that variants that disrupt this residue are likely to be disease-causing. This variant has not been reported in the literature in individuals with DBT-related conditions. This variant is a gross deletion of the genomic region encompassing exon(s) 9-10 of the DBT gene. This variant would be expected to be in-frame, preserving the integrity of the reading frame.

Literature cited by the submitters: PubMed 19480318.